The following is an entry in ClinVar:

ClinVar aggregate classification (germline): Uncertain significance. Review status: criteria provided, multiple submitters, no conflicts (2 of 4 stars). 2 submissions from 2 submitters: Uncertain significance (2). Last evaluated 2025-08-23.

Conditions:
Hereditary cancer-predisposing syndrome. Also called: Hereditary Cancer Syndrome; Tumor predisposition; Hereditary neoplastic syndrome; Neoplastic Syndromes, Hereditary. Identifiers: Orphanet 140162, MedGen C0027672, MeSH D009386, MONDO:0015356.
Gorlin syndrome. Also called: Basal cell nevus syndrome; Nevoid Basal Cell Carcinoma Syndrome. Identifiers: Orphanet 377, MedGen C0004779, MONDO:0007187.

Submissions (2):

Ambry Genetics
Classification: Uncertain significance for Hereditary cancer-predisposing syndrome. Last evaluated: 2025-08-23. Review status: criteria provided, single submitter. Criteria: Ambry Variant Classification Scheme 2023. Collection method: clinical testing. Allele origin: germline.
Comment: The p.E200K variant (also known as c.598G>A), located in coding exon 4 of the PTCH1 gene, results from a G to A substitution at nucleotide position 598. The glutamic acid at codon 200 is replaced by lysine, an amino acid with similar properties. This amino acid position is conserved. In addition, this alteration is predicted to be deleterious by in silico analysis. Based on the available evidence, the clinical significance of this variant remains unclear.

Labcorp Genetics (formerly Invitae), Labcorp
Classification: Uncertain significance for Gorlin syndrome. Last evaluated: 2024-05-29. Review status: criteria provided, single submitter. Criteria: Invitae Variant Classification Sherloc (09022015). Collection method: clinical testing. Allele origin: germline.
Comment: This sequence change replaces glutamic acid, which is acidic and polar, with lysine, which is basic and polar, at codon 200 of the PTCH1 protein (p.Glu200Lys). This variant is not present in population databases (gnomAD no frequency). This variant has not been reported in the literature in individuals affected with PTCH1-related conditions. ClinVar contains an entry for this variant (Variation ID: 2003499). Advanced modeling of protein sequence and biophysical properties (such as structural, functional, and spatial information, amino acid conservation, physicochemical variation, residue mobility, and thermodynamic stability) performed at Invitae indicates that this missense variant is not expected to disrupt PTCH1 protein function with a negative predictive value of 95%. RNA analysis performed to evaluate the impact of this missense change on mRNA splicing indicates it does not significantly alter splicing (Invitae). In summary, the available evidence is currently insufficient to determine the role of this variant in disease. Therefore, it has been classified as a Variant of Uncertain Significance.

NM_000264.5(PTCH1):c.598G>A (p.Glu200Lys)

Gene: PTCH1 (patched 1; minus strand). Cytogenetic location: 9q22.32.
Variant type: single nucleotide variant.
Coding change: c.598G>A on transcript NM_000264.5 (MANE Select); coding-DNA position 598, G replaced by A.
Protein change: p.Glu200Lys; replaces glutamic acid 200 with lysine.
Molecular consequence: missense variant. On other transcripts: non-coding transcript variant (1).
Genome position (GRCh38, 1-based): chr9:95,482,190, C>T on the plus strand (G>A on the coding strand, the complement: PTCH1 is on the minus strand). VCF-style: chr9-95482190-C-T. GRCh37 (hg19) VCF-style: chr9-98244472-C-T.
Other names: c.400G>A, p.Glu134Lys (NM_001083602.3, NM_001354919.2); c.595G>A, p.Glu199Lys (NM_001083603.3); c.145G>A, p.Glu49Lys (NM_001083604.3, NM_001083605.3, NM_001083606.3 and 1 more transcripts); c.598G>A, p.Glu200Lys (NM_001354918.2); short protein forms E134K, E200K, E199K, E49K.
Identifiers: ClinVar variation 2003499 (VCV002003499.5), dbSNP rs2118474803, ClinGen allele CA374115136.